The following is an entry in ClinVar:

NM_032638.5(GATA2):c.733C>A (p.Pro245Thr)

Gene: GATA2 (GATA binding protein 2; minus strand). Cytogenetic location: 3q21.3.
Variant type: single nucleotide variant.
Coding change: c.733C>A on transcript NM_032638.5 (MANE Select); coding-DNA position 733, C replaced by A.
Protein change: p.Pro245Thr; replaces proline 245 with threonine.
Molecular consequence: missense variant.
Genome position (GRCh38, 1-based): chr3:128,485,865, G>T on the plus strand (C>A on the coding strand, the complement: GATA2 is on the minus strand). VCF-style: chr3-128485865-G-T. GRCh37 (hg19) VCF-style: chr3-128204708-G-T.
Other names: c.733C>A, p.Pro245Thr (NM_001145661.2, NM_001145662.1); short protein forms P245T.
Identifiers: ClinVar variation 2945335 (VCV002945335.3), dbSNP rs2068688443, ClinGen allele CA354406106.
Genomic context (GRCh38, chr3:128,485,865, plus strand): 5'-AGAGTCCGCTGCTGTAGTCGTGGGCAGCCGCCGGCACATAGGAGGGGTAGGTGGGGATGG[G>T]GTGGTGTGTAGCAGGCTGGGTGCCCATAGTAGCTAGGCCTGGGCGCAGGGGACTGCCACT-3'
Protein context (NP_116027.2, residues 235-255): TMGTQPATHH[Pro245Thr]IPTYPSYVPA

ClinVar aggregate classification (germline): Uncertain significance (1 of 4 stars; one submission).

Conditions:
Monocytopenia with susceptibility to infections. Also called: MONOCYTOPENIA AND MYCOBACTERIAL INFECTION SYNDROME; MONOCYTOPENIA WITH SUSCEPTIBILITY TO MYCOBACTERIAL, FUNGAL, AND PAPILLOMAVIRUS INFECTIONS AND MYELODYSPLASIA; COMBINED IMMUNODEFICIENCY WITH SUSCEPTIBILITY TO MYCOBACTERIAL, VIRAL, AND FUNGAL INFECTIONS; Dendritic cell, monocyte, B lymphocyte, and natural killer lymphocyte deficiency; IMMUNODEFICIENCY 21; GATA2 DEFICIENCY. Identifiers: Orphanet 228423, MedGen C3280030, MONDO:0013607, OMIM 614172.
Deafness-lymphedema-leukemia syndrome. Also called: Lymphedema, primary, with myelodysplasia; Emberger syndrome. Identifiers: Orphanet 3226, MedGen C3279664, MONDO:0013540, OMIM 614038.

Submission:

Labcorp Genetics (formerly Invitae), Labcorp
Classification: Uncertain significance for Monocytopenia with susceptibility to infections; Deafness-lymphedema-leukemia syndrome. Last evaluated: 2025-07-07. Review status: criteria provided, single submitter. Criteria: Invitae Variant Classification Sherloc (09022015). Collection method: clinical testing. Allele origin: germline.
Comment: This sequence change replaces proline, which is neutral and non-polar, with threonine, which is neutral and polar, at codon 245 of the GATA2 protein (p.Pro245Thr). This variant is not present in population databases (gnomAD no frequency). This variant has not been reported in the literature in individuals affected with GATA2-related conditions. ClinVar contains an entry for this variant (Variation ID: 2945335). Invitae Evidence Modeling of protein sequence and biophysical properties (such as structural, functional, and spatial information, amino acid conservation, physicochemical variation, residue mobility, and thermodynamic stability) has been performed for this missense variant. However, the output from this modeling did not meet the statistical confidence thresholds required to predict the impact of this variant on GATA2 protein function. In summary, the available evidence is currently insufficient to determine the role of this variant in disease. Therefore, it has been classified as a Variant of Uncertain Significance.